The following is an entry in ClinVar:

NM_001904.4(CTNNB1):c.417_420del (p.Ile140fs)

Genes: CTNNB1 (catenin beta 1; plus strand), LOC126806658 (BRD4-independent group 4 enhancer GRCh37_chr3:41265899-41267098; plus strand). Cytogenetic location: 3p22.1.
Variant type: Deletion.
Coding change: c.417_420del on transcript NM_001904.4 (MANE Select); coding-DNA positions 417 to 420, 4 bases deleted (GATT; older notation c.417_420delGATT).
Protein change: p.Ile140fs; shifts the reading frame from isoleucine 140.
Molecular consequence: frameshift variant.
Genome position (GRCh38, 1-based): chr3:41,225,129-41,225,132, GATT deleted; deleting any 4 consecutive bases within chr3:41,225,127-41,225,132 gives the same sequence; the c. name uses the placement nearest the transcript's 3' end. VCF-style (leftmost placement, unchanged base first): chr3-41225126-CTTGA-C. GRCh37 (hg19) VCF-style: chr3-41266617-CTTGA-C.
Other names: c.417_420del, p.Ile140fs (NM_001098209.2, NM_001098210.2); c.396_399del, p.Ile133fs (NM_001330729.2); short protein forms I133fs, I140fs.
Identifiers: ClinVar variation 1319219 (VCV001319219.9), dbSNP rs2125620755, ClinGen allele CA2573052163.

ClinVar aggregate classification (germline): Pathogenic. Review status: criteria provided, multiple submitters, no conflicts (2 of 4 stars). 2 submissions from 2 submitters: Pathogenic (2). Last evaluated 2021-11-03.

Submissions (2):

Institute for Clinical Genetics, University Hospital TU Dresden, University Hospital TU Dresden
Classification: Pathogenic. Last evaluated: 2021-11-03. Review status: criteria provided, single submitter. Criteria: ACMG Guidelines, 2015. Collection method: clinical testing. Allele origin: germline.

Labcorp Genetics (formerly Invitae), Labcorp
Classification: Pathogenic. Last evaluated: 2021-08-02. Review status: criteria provided, single submitter. Criteria: Invitae Variant Classification Sherloc (09022015). Collection method: clinical testing. Allele origin: germline.
Comment: For these reasons, this variant has been classified as Pathogenic. This variant has not been reported in the literature in individuals affected with CTNNB1-related conditions. This variant is not present in population databases (ExAC no frequency). This sequence change creates a premature translational stop signal (p.Ile140Thrfs*16) in the CTNNB1 gene. It is expected to result in an absent or disrupted protein product. Loss-of-function variants in CTNNB1 are known to be pathogenic (PMID: 23033978, 24614104, 25326669, 26350204, 28575650).

Literature cited by the submitters: PubMed 23033978 (cited by Labcorp Genetics (formerly Invitae), Labcorp); PubMed 24614104 (cited by Labcorp Genetics (formerly Invitae), Labcorp); PubMed 25326669 (cited by Labcorp Genetics (formerly Invitae), Labcorp); PubMed 26350204 (cited by Labcorp Genetics (formerly Invitae), Labcorp); PubMed 28575650 (cited by Labcorp Genetics (formerly Invitae), Labcorp).